The following is an entry in ClinVar:

NM_182961.4(SYNE1):c.2383C>T (p.Gln795Ter)

Gene: SYNE1 (spectrin repeat containing nuclear envelope protein 1; minus strand). Cytogenetic location: 6q25.2.
Variant type: single nucleotide variant.
Coding change: c.2383C>T on transcript NM_182961.4 (MANE Select); coding-DNA position 2383, C replaced by T.
Protein change: p.Gln795Ter; replaces glutamine 795 with a stop codon.
Molecular consequence: nonsense.
Genome position (GRCh38, 1-based): chr6:152,461,608, G>A on the plus strand (C>T on the coding strand, the complement: SYNE1 is on the minus strand). VCF-style: chr6-152461608-G-A. GRCh37 (hg19) VCF-style: chr6-152782743-G-A.
Other names: c.2404C>T, p.Gln802Ter (NM_033071.5); short protein forms Q795*, Q802*.
Identifiers: ClinVar variation 1048932 (VCV001048932.1), dbSNP rs2154265455, ClinGen allele CA366120357.

ClinVar aggregate classification (germline): Likely pathogenic (0 of 4 stars; one submission).

Submission:

Department of Pathology and Laboratory Medicine, Sinai Health System
Classification: Likely pathogenic. Review status: no assertion criteria provided. Collection method: clinical testing. Allele origin: unknown. Affected: yes. Study: The Canadian Open Genetics Repository (COGR).
Comment: The SYNE1 p.Gln802* variant was not identified in the literature nor was it identified in dbSNP, ClinVar, LOVD 3.0 or in the following control databases: the 1000 Genomes Project, the NHLBI GO Exome Sequencing Project, the Exome Aggregation Consortium (August 8th 2016), or the Genome Aggregation Database (March 6, 2019, v2.1.1). The c.2404C>T variant leads to a premature stop codon at position 802 which is predicted to lead to a truncated or absent protein and loss of function. Loss of function variants of the SYNE1 gene are an established mechanism of disease in SYNE1 deficiency and is the type of variant expected to cause the disorder in the homozygous or compound heterozygous state. The variant occurs outside of the splicing consensus sequence and in silico or computational prediction software programs (SpliceSiteFinder, MaxEntScan, NNSPLICE, GeneSplicer) do not predict a difference in splicing. In summary, based on the above information the clinical significance of this variant cannot be determined with certainty at this time although we would lean towards a more pathogenic role for this variant. This variant is classified as likely pathogenic.